The following is an entry in ClinVar:

ClinVar aggregate classification (germline): Uncertain significance. Review status: criteria provided, multiple submitters, no conflicts (2 of 4 stars). 2 submissions from 2 submitters: Uncertain significance (2). Last evaluated 2024-06-05.

Conditions:
Spastic paraplegia. Identifiers: MedGen C0037772, HP:0001258.

Allele frequency attached by ClinVar (database versions not stated): gnomAD exomes below 0.00001.

Submissions (2):

Blueprint Genetics
Classification: Uncertain significance. Last evaluated: 2024-06-05. Review status: criteria provided, single submitter. Criteria: ACMG Guidelines, 2015. Collection method: clinical testing. Allele origin: germline.

Labcorp Genetics (formerly Invitae), Labcorp
Classification: Uncertain significance for Spastic paraplegia. Last evaluated: 2023-10-14. Review status: criteria provided, single submitter. Criteria: Invitae Variant Classification Sherloc (09022015). Collection method: clinical testing. Allele origin: germline.
Comment: This sequence change replaces glycine, which is neutral and non-polar, with arginine, which is basic and polar, at codon 293 of the KIF5A protein (p.Gly293Arg). This variant is not present in population databases (gnomAD no frequency). This variant has not been reported in the literature in individuals affected with KIF5A-related conditions. Advanced modeling of protein sequence and biophysical properties (such as structural, functional, and spatial information, amino acid conservation, physicochemical variation, residue mobility, and thermodynamic stability) performed at Invitae indicates that this missense variant is expected to disrupt KIF5A protein function. In summary, the available evidence is currently insufficient to determine the role of this variant in disease. Therefore, it has been classified as a Variant of Uncertain Significance.

NM_004984.4(KIF5A):c.877G>A (p.Gly293Arg)

Gene: KIF5A (kinesin family member 5A; plus strand). Cytogenetic location: 12q13.3.
Variant type: single nucleotide variant.
Coding change: c.877G>A on transcript NM_004984.4 (MANE Select); coding-DNA position 877, G replaced by A.
Protein change: p.Gly293Arg; replaces glycine 293 with arginine.
Molecular consequence: missense variant.
Genome position (GRCh38, 1-based): chr12:57,569,313, G>A. VCF-style: chr12-57569313-G-A. GRCh37 (hg19) VCF-style: chr12-57963096-G-A.
Other names: c.610G>A, p.Gly204Arg (NM_001354705.2); short protein forms G293R, G204R.
Identifiers: ClinVar variation 2721906 (VCV002721906.4), dbSNP rs1882169865, ClinGen allele CA385500657.